The following is an entry in ClinVar:

NM_001243133.2(NLRP3):c.1675C>T (p.Leu559Phe)

Gene: NLRP3 (NLR family pyrin domain containing 3; plus strand). Cytogenetic location: 1q44.
Variant type: single nucleotide variant.
Coding change: c.1675C>T on transcript NM_001243133.2 (MANE Select); coding-DNA position 1675, C replaced by T.
Protein change: p.Leu559Phe; replaces leucine 559 with phenylalanine.
Molecular consequence: missense variant.
Genome position (GRCh38, 1-based): chr1:247,425,124, C>T. VCF-style: chr1-247425124-C-T. GRCh37 (hg19) VCF-style: chr1-247588426-C-T.
Other names: c.1675C>T, p.Leu559Phe (NM_001079821.3, NM_001127461.3, NM_001127462.3 and 1 more transcripts); c.1681C>T, p.Leu561Phe (NM_004895.5); short protein forms L559F, L561F.
Identifiers: ClinVar variation 2973931 (VCV002973931.3), dbSNP rs761820867, ClinGen allele CA1495062.

ClinVar aggregate classification (germline): Uncertain significance (1 of 4 stars; one submission).

Conditions:
Cryopyrin associated periodic syndrome (CAPS). Identifiers: Orphanet 208650, MedGen C2316212, MONDO:0016168.

Allele frequency attached by ClinVar (database versions not stated): ExAC 0.00001; gnomAD exomes 0.00001.
gnomAD v4.1: 8 of 1,614,092 alleles (0.0005%); highest among the groups gnomAD compares: Non-Finnish European, 0.00059%; no homozygotes.

Submission:

Labcorp Genetics (formerly Invitae), Labcorp
Classification: Uncertain significance for Cryopyrin associated periodic syndrome. Last evaluated: 2023-07-18. Review status: criteria provided, single submitter. Criteria: Invitae Variant Classification Sherloc (09022015). Collection method: clinical testing. Allele origin: germline.
Comment: In summary, the available evidence is currently insufficient to determine the role of this variant in disease. Therefore, it has been classified as a Variant of Uncertain Significance. Advanced modeling of protein sequence and biophysical properties (such as structural, functional, and spatial information, amino acid conservation, physicochemical variation, residue mobility, and thermodynamic stability) has been performed at Invitae for this missense variant, however the output from this modeling did not meet the statistical confidence thresholds required to predict the impact of this variant on NLRP3 protein function. This variant has not been reported in the literature in individuals affected with NLRP3-related conditions. This variant is present in population databases (rs761820867, gnomAD 0.0009%). This sequence change replaces leucine, which is neutral and non-polar, with phenylalanine, which is neutral and non-polar, at codon 561 of the NLRP3 protein (p.Leu561Phe).